The following is an entry in ClinVar:

NM_001365999.1(SZT2):c.7642A>G (p.Met2548Val)

Gene: SZT2 (SZT2 subunit of KICSTOR complex; plus strand). Cytogenetic location: 1p34.2.
Variant type: single nucleotide variant.
Coding change: c.7642A>G on transcript NM_001365999.1 (MANE Select); coding-DNA position 7642, A replaced by G.
Protein change: p.Met2548Val; replaces methionine 2548 with valine.
Molecular consequence: missense variant.
Genome position (GRCh38, 1-based): chr1:43,441,718, A>G. VCF-style: chr1-43441718-A-G. GRCh37 (hg19) VCF-style: chr1-43907389-A-G.
Other names: c.7471A>G, p.Met2491Val (NM_015284.4); short protein forms M2491V, M2548V.
Identifiers: ClinVar variation 847030 (VCV000847030.7), dbSNP rs1040898943, ClinGen allele CA340035632.
Genomic context (GRCh38, chr1:43,441,718, plus strand): 5'-GCTCCACAGTGACTCCTCTGCCTCCTAGGTTGTGCCTCAGTGTCCAGAAGCTCTGCCCAC[A>G]TGGTGTCCCGGTTCCTCCTTCCATCCATCCTGTCTGAGTTCACCGCACTGGTCACCTCAA-3'
Protein context (NP_001352928.1, residues 2538-2558): CASVSRSSAH[Met2548Val]VSRFLLPSIL

ClinVar aggregate classification (germline): Uncertain significance (1 of 4 stars; one submission).

gnomAD v4.1: 2 of 1,614,124 alleles (0.00012%); highest among the groups gnomAD compares: East Asian, 0.0022%; no homozygotes.

Submission:

Labcorp Genetics (formerly Invitae), Labcorp
Classification: Uncertain significance. Last evaluated: 2022-07-12. Review status: criteria provided, single submitter. Criteria: Invitae Variant Classification Sherloc (09022015). Collection method: clinical testing. Allele origin: germline.
Comment: This sequence change replaces methionine, which is neutral and non-polar, with valine, which is neutral and non-polar, at codon 2491 of the SZT2 protein (p.Met2491Val). This variant is not present in population databases (gnomAD no frequency). This variant has not been reported in the literature in individuals affected with SZT2-related conditions. ClinVar contains an entry for this variant (Variation ID: 847030). Algorithms developed to predict the effect of missense changes on protein structure and function output the following: SIFT: "Tolerated"; PolyPhen-2: "Benign"; Align-GVGD: "Class C0". The valine amino acid residue is found in multiple mammalian species, which suggests that this missense change does not adversely affect protein function. In summary, the available evidence is currently insufficient to determine the role of this variant in disease. Therefore, it has been classified as a Variant of Uncertain Significance.